The following is an entry in ClinVar:

NM_024753.5(TTC21B):c.533C>G (p.Thr178Ser)

Genes: TTC21B-AS1 (TTC21B antisense RNA 1; plus strand), TTC21B (tetratricopeptide repeat domain 21B; minus strand). Cytogenetic location: 2q24.3.
Variant type: single nucleotide variant.
Coding change: c.533C>G on transcript NM_024753.5 (MANE Select); coding-DNA position 533, C replaced by G.
Protein change: p.Thr178Ser; replaces threonine 178 with serine.
Molecular consequence: missense variant.
Genome position (GRCh38, 1-based): chr2:165,943,238, G>C on the plus strand (C>G on the coding strand, the complement: TTC21B is on the minus strand). VCF-style: chr2-165943238-G-C. GRCh37 (hg19) VCF-style: chr2-166799748-G-C.
Other names: short protein forms T178S.
Identifiers: ClinVar variation 1978831 (VCV001978831.4), dbSNP rs374933076, ClinGen allele CA1942416.

ClinVar aggregate classification (germline): Uncertain significance (1 of 4 stars; one submission).

Conditions:
Jeune thoracic dystrophy. Also called: Jeune syndrome; Infantile thoracic dystrophy; Thoracic pelvic phalangeal dystrophy; Jeune's syndrome; Chondroectodermal dysplasia-like syndrome; Short-rib thoracic dysplasia. Identifiers: Orphanet 474, MedGen C0265275, MONDO:0018770.
Nephronophthisis. Also called: Juvenile Nephronophthisis. Identifiers: Orphanet 655, MedGen C0687120, MONDO:0019005, HP:0000090.

Allele frequency attached by ClinVar (database versions not stated): TOPMed below 0.00001; ExAC 0.00001; gnomAD 0.00001; ESP Exome Variant Server 0.00008.
gnomAD v4.1: 15 of 1,613,440 alleles (0.00093%); highest among the groups gnomAD compares: Admixed American, 0.0017%; no homozygotes.

Submission:

Labcorp Genetics (formerly Invitae), Labcorp
Classification: Uncertain significance for Jeune thoracic dystrophy; Nephronophthisis. Last evaluated: 2022-03-02. Review status: criteria provided, single submitter. Criteria: Invitae Variant Classification Sherloc (09022015). Collection method: clinical testing. Allele origin: germline.
Comment: This variant has not been reported in the literature in individuals affected with TTC21B-related conditions. This variant is present in population databases (rs374933076, gnomAD no frequency). Algorithms developed to predict the effect of missense changes on protein structure and function are either unavailable or do not agree on the potential impact of this missense change (SIFT: "Deleterious"; PolyPhen-2: "Benign"; Align-GVGD: "Class C0"). In summary, the available evidence is currently insufficient to determine the role of this variant in disease. Therefore, it has been classified as a Variant of Uncertain Significance. This sequence change replaces threonine, which is neutral and polar, with serine, which is neutral and polar, at codon 178 of the TTC21B protein (p.Thr178Ser).